The following is an entry in ClinVar:

NM_000170.3(GLDC):c.44G>A (p.Gly15Glu)

Gene: GLDC (glycine decarboxylase; minus strand). Cytogenetic location: 9p24.1.
Variant type: single nucleotide variant.
Coding change: c.44G>A on transcript NM_000170.3 (MANE Select); coding-DNA position 44, G replaced by A.
Protein change: p.Gly15Glu; replaces glycine 15 with glutamic acid.
Molecular consequence: missense variant.
Genome position (GRCh38, 1-based): chr9:6,645,456, C>T on the plus strand (G>A on the coding strand, the complement: GLDC is on the minus strand). VCF-style: chr9-6645456-C-T. GRCh37 (hg19) VCF-style: chr9-6645456-C-T.
Other names: short protein forms G15E.
Identifiers: ClinVar variation 1051279 (VCV001051279.9), dbSNP rs1405876098, ClinGen allele CA372887450.
Genomic context (GRCh38, chr9:6,645,456, plus strand): 5'-CGGCTCCGCGGCGCCCAGCACGGCCCCGATCCCCCAGCCAGGCGGCGGCCGCCCCCGACC[C>T]CGCGGCCCAGGCGCAGCCCCCACGCCCTGGCACAGGACTGCATGGCCGCGGCCACCGTCC-3'
Protein context (NP_000161.2, residues 5-25): ARAWGLRLGR[Gly15Glu]VGGGRRLAGG

ClinVar aggregate classification (germline): Uncertain significance (1 of 4 stars; one submission).

Conditions:
Glycine encephalopathy. Also called: Nonketotic hyperglycinemia; Non-ketotic hyperglycinemia. Identifiers: Orphanet 407, MedGen C0751748, MONDO:0011612, HP:0008288.

Allele frequency attached by ClinVar (database versions not stated): TOPMed below 0.00001.

Submission:

Labcorp Genetics (formerly Invitae), Labcorp
Classification: Uncertain significance for Glycine encephalopathy. Last evaluated: 2020-09-24. Review status: criteria provided, single submitter. Criteria: Invitae Variant Classification Sherloc (09022015). Collection method: clinical testing. Allele origin: germline.
Comment: This sequence change replaces glycine with glutamic acid at codon 15 of the GLDC protein (p.Gly15Glu). The glycine residue is weakly conserved and there is a moderate physicochemical difference between glycine and glutamic acid. In summary, the available evidence is currently insufficient to determine the role of this variant in disease. Therefore, it has been classified as a Variant of Uncertain Significance. Advanced modeling of protein sequence and biophysical properties (such as structural, functional, and spatial information, amino acid conservation, physicochemical variation, residue mobility, and thermodynamic stability) performed at Invitae indicates that this missense variant is not expected to disrupt GLDC protein function. This variant has not been reported in the literature in individuals with GLDC-related conditions. The frequency data for this variant in the population databases is considered unreliable, as metrics indicate insufficient coverage at this position in the ExAC database.